The following is an entry in ClinVar:

NM_014290.3(TDRD7):c.692C>G (p.Thr231Ser)

Gene: TDRD7 (tudor domain containing 7; plus strand). Cytogenetic location: 9q22.33.
Variant type: single nucleotide variant.
Coding change: c.692C>G on transcript NM_014290.3 (MANE Select); coding-DNA position 692, C replaced by G.
Protein change: p.Thr231Ser; replaces threonine 231 with serine.
Molecular consequence: missense variant.
Genome position (GRCh38, 1-based): chr9:97,441,712, C>G. VCF-style: chr9-97441712-C-G. GRCh37 (hg19) VCF-style: chr9-100203994-C-G.
Other names: c.470C>G, p.Thr157Ser (NM_001302884.2); short protein forms T157S, T231S.
Identifiers: ClinVar variation 1378005 (VCV001378005.8), dbSNP rs756033246, ClinGen allele CA196709485.

ClinVar aggregate classification (germline): Uncertain significance (1 of 4 stars; one submission).

Conditions:
Cataract 36. Identifiers: MedGen C3151304, MONDO:0013484, OMIM 613887.

Allele frequency attached by ClinVar (database versions not stated): TOPMed below 0.00001.
gnomAD v4.1: 5 of 1,613,422 alleles (0.00031%); highest among the groups gnomAD compares: African/African-American, 0.0067%; no homozygotes.

Submission:

Labcorp Genetics (formerly Invitae), Labcorp
Classification: Uncertain significance for Cataract 36. Last evaluated: 2021-03-07. Review status: criteria provided, single submitter. Criteria: Invitae Variant Classification Sherloc (09022015). Collection method: clinical testing. Allele origin: germline.
Comment: This variant is not present in population databases (ExAC no frequency). This sequence change replaces threonine with serine at codon 231 of the TDRD7 protein (p.Thr231Ser). The threonine residue is weakly conserved and there is a small physicochemical difference between threonine and serine. This variant has not been reported in the literature in individuals with TDRD7-related conditions. Algorithms developed to predict the effect of missense changes on protein structure and function (SIFT, PolyPhen-2, Align-GVGD) all suggest that this variant is likely to be tolerated, but these predictions have not been confirmed by published functional studies and their clinical significance is uncertain. Algorithms developed to predict the effect of sequence changes on RNA splicing suggest that this variant may create or strengthen a splice site, but this prediction has not been confirmed by published transcriptional studies. In summary, the available evidence is currently insufficient to determine the role of this variant in disease. Therefore, it has been classified as a Variant of Uncertain Significance.